The following is an entry in ClinVar:

NM_020754.4(ARHGAP31):c.3960C>A (p.Asn1320Lys)

Gene: ARHGAP31 (Rho GTPase activating protein 31; plus strand). Cytogenetic location: 3q13.33.
Variant type: single nucleotide variant.
Coding change: c.3960C>A on transcript NM_020754.4 (MANE Select); coding-DNA position 3960, C replaced by A.
Protein change: p.Asn1320Lys; replaces asparagine 1320 with lysine.
Molecular consequence: missense variant.
Genome position (GRCh38, 1-based): chr3:119,415,889, C>A. VCF-style: chr3-119415889-C-A. GRCh37 (hg19) VCF-style: chr3-119134736-C-A.
Other names: short protein forms N1320K.
Identifiers: ClinVar variation 4282220 (VCV004282220.1).
Genomic context (GRCh38, chr3:119,415,889, plus strand): 5'-CCAGGATGCAGTAGTGCAATGCAGAAAGCGCATGTCAGAGACAGAGCCATCTGGGGACAA[C>A]CTTCTTTCTTCAAAACTAGAGCGACCATCTGGGGGTTCTAAGCCTTTCCACAGGTCAAGG-3'
Protein context (NP_065805.2, residues 1310-1330): RMSETEPSGD[Asn1320Lys]LLSSKLERPS

ClinVar aggregate classification (germline): Uncertain significance (1 of 4 stars; one submission).

Submission:

GeneDx
Classification: Uncertain significance. Last evaluated: 2025-04-15. Review status: criteria provided, single submitter. Criteria: GeneDx Variant Classification Process June 2021. Collection method: clinical testing. Allele origin: germline. Affected: yes.
Comment: Not observed at significant frequency in large population cohorts (gnomAD); In silico analysis indicates that this missense variant does not alter protein structure/function; Has not been previously published as pathogenic or benign to our knowledge